The following is an entry in ClinVar:

NM_025144.4(ALPK1):c.1690A>G (p.Asn564Asp)

Gene: ALPK1 (alpha kinase 1; plus strand). Cytogenetic location: 4q25.
Variant type: single nucleotide variant.
Coding change: c.1690A>G on transcript NM_025144.4 (MANE Select); coding-DNA position 1690, A replaced by G.
Protein change: p.Asn564Asp; replaces asparagine 564 with aspartic acid.
Molecular consequence: missense variant.
Genome position (GRCh38, 1-based): chr4:112,431,237, A>G. VCF-style: chr4-112431237-A-G. GRCh37 (hg19) VCF-style: chr4-113352393-A-G.
Other names: c.1690A>G, p.Asn564Asp (NM_001102406.2); c.1456A>G, p.Asn486Asp (NM_001253884.2); c.1690A>G (NM_025144.3); short protein forms N564D, N486D.
Identifiers: ClinVar variation 3018495 (VCV003018495.4), dbSNP rs775158835, ClinGen allele CA3046780.

ClinVar aggregate classification (germline): Uncertain significance. Review status: criteria provided, multiple submitters, no conflicts (2 of 4 stars). 2 submissions from 2 submitters: Uncertain significance (2). Last evaluated 2026-01-01.

Conditions:
Inborn genetic diseases. Identifiers: MedGen C0950123, MeSH D030342.

Allele frequency attached by ClinVar (database versions not stated): gnomAD exomes 0.00001; gnomAD 0.00003; ExAC 0.00001; TOPMed 0.00005.
gnomAD v4.1: 14 of 1,614,056 alleles (0.00087%); highest among the groups gnomAD compares: African/African-American, 0.017%; no homozygotes.

Submissions (2):

Labcorp Genetics (formerly Invitae), Labcorp
Classification: Uncertain significance. Last evaluated: 2026-01-01. Review status: criteria provided, single submitter. Criteria: Invitae Variant Classification Sherloc (09022015). Collection method: clinical testing. Allele origin: germline.
Comment: This sequence change replaces asparagine, which is neutral and polar, with aspartic acid, which is acidic and polar, at codon 564 of the ALPK1 protein (p.Asn564Asp). This variant is present in population databases (rs775158835, gnomAD 0.007%). This variant has not been reported in the literature in individuals affected with ALPK1-related conditions. ClinVar contains an entry for this variant (Variation ID: 3018495). Invitae Evidence Modeling of protein sequence and biophysical properties (such as structural, functional, and spatial information, amino acid conservation, physicochemical variation, residue mobility, and thermodynamic stability) indicates that this missense variant is not expected to disrupt ALPK1 protein function with a negative predictive value of 80%. In summary, the available evidence is currently insufficient to determine the role of this variant in disease. Therefore, it has been classified as a Variant of Uncertain Significance.

Ambry Genetics
Classification: Uncertain significance for Inborn genetic diseases. Last evaluated: 2024-10-01. Review status: criteria provided, single submitter. Criteria: Ambry Variant Classification Scheme 2023. Collection method: clinical testing. Allele origin: germline.